The following is an entry in ClinVar:

NM_000533.5(PLP1):c.589A>T (p.Ile197Leu)

Genes: PLP1 (proteolipid protein 1; plus strand), RAB9B (RAB9B, member RAS oncogene family; minus strand). Cytogenetic location: Xq22.2.
Variant type: single nucleotide variant.
Coding change: c.589A>T on transcript NM_000533.5 (MANE Select); coding-DNA position 589, A replaced by T.
Protein change: p.Ile197Leu; replaces isoleucine 197 with leucine.
Molecular consequence: missense variant.
Genome position (GRCh38, 1-based): chrX:103,787,933, A>T. VCF-style: chrX-103787933-A-T. GRCh37 (hg19) VCF-style: chrX-103042862-A-T.
Other names: c.589A>T, p.Ile197Leu (NM_001128834.3); c.424A>T, p.Ile142Leu (NM_001305004.1); c.484A>T, p.Ile162Leu (NM_199478.3); short protein forms I142L, I162L, I197L.
Identifiers: ClinVar variation 3371797 (VCV003371797.1).

ClinVar aggregate classification (germline): Uncertain significance (1 of 4 stars; one submission).

gnomAD v4.1: 1 of 1,209,238 alleles (0.000083%); highest among the groups gnomAD compares: Non-Finnish European, 0.00011%; no homozygotes.

Submission:

GeneDx
Classification: Uncertain significance. Last evaluated: 2024-04-04. Review status: criteria provided, single submitter. Criteria: GeneDx Variant Classification Process June 2021. Collection method: clinical testing. Allele origin: germline. Affected: yes.
Comment: Not observed at significant frequency in large population cohorts (gnomAD); Missense variants in this gene are a common cause of disease and they are underrepresented in the general population; In silico analysis supports that this missense variant has a deleterious effect on protein structure/function; Has not been previously published as pathogenic or benign to our knowledge